The following is an entry in ClinVar:

NM_001267550.2(TTN):c.32656C>T (p.Gln10886Ter)

Gene: TTN (titin; minus strand). Cytogenetic location: 2q31.2.
Variant type: single nucleotide variant.
Coding change: c.32656C>T on transcript NM_001267550.2 (MANE Select); coding-DNA position 32656, C replaced by T.
Protein change: p.Gln10886Ter; replaces glutamine 10886 with a stop codon.
Molecular consequence: nonsense. On other transcripts: intron variant (3).
Genome position (GRCh38, 1-based): chr2:178,684,396, G>A on the plus strand (C>T on the coding strand, the complement: TTN is on the minus strand). VCF-style: chr2-178684396-G-A. GRCh37 (hg19) VCF-style: chr2-179549123-G-A.
Other names: c.31705C>T, p.Gln10569Ter (NM_001256850.1); c.28924C>T, p.Gln9642Ter (NM_133378.4); c.13283-42079C>T (NM_003319.4); c.13859-42079C>T (NM_133437.4); c.13658-42079C>T (NM_133432.3); short protein forms Q10886*, Q10569*, Q9642*.
Identifiers: ClinVar variation 2116956 (VCV002116956.4), dbSNP rs2474151503, ClinGen allele CA349546376.

ClinVar aggregate classification (germline): Likely pathogenic (1 of 4 stars; one submission).

Conditions:
Dilated cardiomyopathy 1G (CMD1G). Identifiers: Orphanet 154, MedGen C1858763, MONDO:0011400, OMIM 604145.
Autosomal recessive limb-girdle muscular dystrophy type 2J (LGMDR10). Also called: Limb-girdle muscular dystrophy, type 2J; MUSCULAR DYSTROPHY, LIMB-GIRDLE, AUTOSOMAL RECESSIVE 10. Identifiers: Orphanet 140922, MedGen C1837342, MONDO:0012127, OMIM 608807.

Allele frequency attached by ClinVar (database versions not stated): gnomAD exomes below 0.00001.
gnomAD v4.1: 2 of 1,613,522 alleles (0.00012%); highest among the groups gnomAD compares: South Asian, 0.0022%; no homozygotes.

Submission:

Labcorp Genetics (formerly Invitae), Labcorp
Classification: Likely pathogenic for Dilated cardiomyopathy 1G; Autosomal recessive limb-girdle muscular dystrophy type 2J. Last evaluated: 2024-10-18. Review status: criteria provided, single submitter. Criteria: Invitae Variant Classification Sherloc (09022015). Collection method: clinical testing. Allele origin: germline.
Comment: This sequence change creates a premature translational stop signal (p.Gln10886*) in the TTN gene. While this is not anticipated to result in nonsense mediated decay, it is expected to create a truncated TTN protein. This variant is not present in population databases (gnomAD no frequency). This variant has not been reported in the literature in individuals affected with TTN-related conditions. ClinVar contains an entry for this variant (Variation ID: 2116956). Algorithms developed to predict the effect of sequence changes on RNA splicing suggest that this variant may disrupt the consensus splice site. This variant is located in the I band of TTN (PMID: 25589632). Truncating variants in this region have been reported in individuals affected with autosomal recessive centronuclear myopathy (PMID: 23975875, internal data). Truncating variants in this region have also been identified in individuals affected with autosomal dominant dilated cardiomyopathy and/or cardio-related conditions (PMID: 27869827, 32964742, internal data). In summary, the currently available evidence indicates that the variant is pathogenic, but additional data are needed to prove that conclusively. Therefore, this variant has been classified as Likely Pathogenic.

Literature cited by the submitters: PubMed 25589632; PubMed 23975875; PubMed 27869827; PubMed 32964742.